The following is an entry in ClinVar:

NM_000057.4(BLM):c.1228C>G (p.Leu410Val)

Gene: BLM (BLM RecQ like helicase; plus strand). Cytogenetic location: 15q26.1.
Variant type: single nucleotide variant.
Coding change: c.1228C>G on transcript NM_000057.4 (MANE Select); coding-DNA position 1228, C replaced by G.
Protein change: p.Leu410Val; replaces leucine 410 with valine.
Molecular consequence: missense variant.
Genome position (GRCh38, 1-based): chr15:90,760,601, C>G. VCF-style: chr15-90760601-C-G. GRCh37 (hg19) VCF-style: chr15-91303831-C-G.
Other names: c.1228C>G, p.Leu410Val (NM_001287246.2, NM_001287247.2); c.103C>G, p.Leu35Val (NM_001287248.2); short protein forms L410V, L35V.
Identifiers: ClinVar variation 818647 (VCV000818647.13), dbSNP rs200688933, ClinGen allele CA7738507.
Genomic context (GRCh38, chr15:90,760,601, plus strand): 5'-CTACCAGAGTAAACTACTTATATTTAATACGTTGTTCTCTTTTCTCTCTTCAGAAGGAAA[C>G]TTCTAACGGAAGTAGATTTTAATAAAAGTGATGCCAGTCTTCTTGGCTCATTGTGGAGAT-3'
Protein context (NP_000048.1, residues 400-420): LLQQRNIRRK[Leu410Val]LTEVDFNKSD

ClinVar aggregate classification (germline): Uncertain significance. Review status: criteria provided, multiple submitters, no conflicts (2 of 4 stars). 2 submissions from 2 submitters: Uncertain significance (2). Last evaluated 2025-10-06.

Conditions:
Bloom syndrome (BLM). Also called: Bloom-Torre-Machacek syndrome. Identifiers: Orphanet 125, MedGen C0005859, MONDO:0008876, OMIM 210900.
Hereditary cancer-predisposing syndrome. Also called: Tumor predisposition; Hereditary neoplastic syndrome; Neoplastic Syndromes, Hereditary; Hereditary Cancer Syndrome. Identifiers: Orphanet 140162, MedGen C0027672, MeSH D009386, MONDO:0015356.

gnomAD v4.1: 3 of 1,610,792 alleles (0.00019%); highest among the groups gnomAD compares: Non-Finnish European, 0.00025%; no homozygotes.

Submissions (2):

Labcorp Genetics (formerly Invitae), Labcorp
Classification: Uncertain significance for Bloom syndrome. Last evaluated: 2025-10-06. Review status: criteria provided, single submitter. Criteria: Invitae Variant Classification Sherloc (09022015). Collection method: clinical testing. Allele origin: germline.
Comment: This sequence change replaces leucine, which is neutral and non-polar, with valine, which is neutral and non-polar, at codon 410 of the BLM protein (p.Leu410Val). This variant is present in population databases (rs200688933, gnomAD 0.0009%). This variant has not been reported in the literature in individuals affected with BLM-related conditions. ClinVar contains an entry for this variant (Variation ID: 818647). Invitae Evidence Modeling of protein sequence and biophysical properties (such as structural, functional, and spatial information, amino acid conservation, physicochemical variation, residue mobility, and thermodynamic stability) indicates that this missense variant is not expected to disrupt BLM protein function with a negative predictive value of 80%. In summary, the available evidence is currently insufficient to determine the role of this variant in disease. Therefore, it has been classified as a Variant of Uncertain Significance.

Ambry Genetics
Classification: Uncertain significance for Hereditary cancer-predisposing syndrome. Last evaluated: 2025-02-06. Review status: criteria provided, single submitter. Criteria: Ambry Variant Classification Scheme 2023. Collection method: clinical testing. Allele origin: germline.
Comment: The p.L410V variant (also known as c.1228C>G), located in coding exon 6 of the BLM gene, results from a C to G substitution at nucleotide position 1228. The leucine at codon 410 is replaced by valine, an amino acid with highly similar properties. This amino acid position is highly conserved in available vertebrate species. In addition, this alteration is predicted to be tolerated by in silico analysis. Since supporting evidence is limited at this time, the clinical significance of this alteration remains unclear.